The following is an entry in ClinVar:

ClinVar aggregate classification (germline): Uncertain significance (1 of 4 stars; one submission).

Allele frequency attached by ClinVar (database versions not stated): gnomAD exomes below 0.00001; gnomAD 0.00001; TOPMed 0.00001; ExAC 0.00002; ESP Exome Variant Server 0.00008.
gnomAD v4.1: 6 of 1,613,984 alleles (0.00037%); highest among the groups gnomAD compares: Non-Finnish European, 0.00051%; no homozygotes.

Submission:

Labcorp Genetics (formerly Invitae), Labcorp
Classification: Uncertain significance. Last evaluated: 2022-06-26. Review status: criteria provided, single submitter. Criteria: Invitae Variant Classification Sherloc (09022015). Collection method: clinical testing. Allele origin: germline.
Comment: Algorithms developed to predict the effect of missense changes on protein structure and function (SIFT, PolyPhen-2, Align-GVGD) all suggest that this variant is likely to be disruptive. In summary, the available evidence is currently insufficient to determine the role of this variant in disease. Therefore, it has been classified as a Variant of Uncertain Significance. This variant has not been reported in the literature in individuals affected with P2RY12-related conditions. This variant is present in population databases (rs372954515, gnomAD 0.003%). This sequence change replaces threonine, which is neutral and polar, with isoleucine, which is neutral and non-polar, at codon 283 of the P2RY12 protein (p.Thr283Ile).

NM_022788.5(P2RY12):c.848C>T (p.Thr283Ile)

Genes: MED12L (mediator complex subunit 12L; plus strand), P2RY12 (purinergic receptor P2Y12; minus strand). Cytogenetic location: 3q25.1.
Variant type: single nucleotide variant.
Coding change: c.848C>T on transcript NM_022788.5 (MANE Select); coding-DNA position 848, C replaced by T.
Protein change: p.Thr283Ile; replaces threonine 283 with isoleucine.
Molecular consequence: missense variant. On other transcripts: intron variant (2).
Genome position (GRCh38, 1-based): chr3:151,337,998, G>A on the plus strand (C>T on the coding strand, the complement: P2RY12 is on the minus strand). VCF-style: chr3-151337998-G-A. GRCh37 (hg19) VCF-style: chr3-151055786-G-A.
Other names: c.848C>T, p.Thr283Ile (NM_176876.3); c.2251-12061G>A (NM_001393769.1); c.2146-12061G>A (NM_053002.6); short protein forms T283I.
Identifiers: ClinVar variation 1920098 (VCV001920098.5), dbSNP rs372954515, ClinGen allele CA2667790.